The following is an entry in ClinVar:

NM_016151.4(TAOK2):c.542C>A (p.Ser181Tyr)

Gene: TAOK2 (TAO kinase 2; plus strand). Cytogenetic location: 16p11.2.
Variant type: single nucleotide variant.
Coding change: c.542C>A on transcript NM_016151.4 (MANE Select); coding-DNA position 542, C replaced by A.
Protein change: p.Ser181Tyr; replaces serine 181 with tyrosine.
Molecular consequence: missense variant.
Genome position (GRCh38, 1-based): chr16:29,979,287, C>A. VCF-style: chr16-29979287-C-A. GRCh37 (hg19) VCF-style: chr16-29990608-C-A.
Other names: c.542C>A, p.Ser181Tyr (NM_001252043.2, NM_004783.4); short protein forms S181Y.
Identifiers: ClinVar variation 1446991 (VCV001446991.6), dbSNP rs2150886042, ClinGen allele CA395472205.
Genomic context (GRCh38, chr16:29,979,287, plus strand): 5'-AGCCAGGGTTAGTGAAGCTAGGGGACTTTGGTTCTGCGTCCATCATGGCACCTGCCAACT[C>A]CTTCGTGGGCACCCCATACTGGTGAGTGAGTGAGTGGTGGTGAGTGGAGAGACCTCCCAG-3'
Protein context (NP_057235.2, residues 171-191): GSASIMAPAN[Ser181Tyr]FVGTPYWMAP

ClinVar aggregate classification (germline): Uncertain significance (1 of 4 stars; one submission).

Submission:

Labcorp Genetics (formerly Invitae), Labcorp
Classification: Uncertain significance. Last evaluated: 2021-10-20. Review status: criteria provided, single submitter. Criteria: Invitae Variant Classification Sherloc (09022015). Collection method: clinical testing. Allele origin: germline.
Comment: This sequence change replaces serine with tyrosine at codon 181 of the TAOK2 protein (p.Ser181Tyr). The serine residue is highly conserved and there is a large physicochemical difference between serine and tyrosine. This variant has not been reported in the literature in individuals affected with TAOK2-related conditions. Algorithms developed to predict the effect of missense changes on protein structure and function are either unavailable or do not agree on the potential impact of this missense change (SIFT: "Deleterious"; PolyPhen-2: "Probably Damaging"; Align-GVGD: "Class C15"). In summary, the available evidence is currently insufficient to determine the role of this variant in disease. Therefore, it has been classified as a Variant of Uncertain Significance. This variant is not present in population databases (ExAC no frequency).